The following is an entry in ClinVar:

ClinVar aggregate classification (germline): Uncertain significance (1 of 4 stars; one submission).

Conditions:
Alport syndrome. Also called: Hemorrhagic familial nephritis; Hemorrhagic hereditary nephritis; Congenital hereditary hematuria. Identifiers: Orphanet 63, MedGen C1567741, MONDO:0018965.

Submission:

Myriad Genetics, Inc.
Classification: Uncertain significance for Alport syndrome. Last evaluated: 2026-02-05. Review status: criteria provided, single submitter. Criteria: Myriad Autosomal Dominant, Autosomal Recessive and X-Linked Classification Criteria (2023). Collection method: clinical testing. Allele origin: unknown.
Comment: NM_000091.4(COL4A3):c.441G>T is a silent variant classified as a variant of uncertain significance in the context of Alport syndrome, COL4A3-related. c.441G>T has been observed in cases with relevant disease (PMID: 40004525). Relevant functional assessments of this variant are not available in the literature. c.441G>T has not been observed in referenced population frequency databases. In summary, there is insufficient evidence to classify NM_000091.4(COL4A3):c.441G>T as pathogenic or benign. Please note: this variant was assessed in the context of healthy population screening.

Literature cited by the submitters: PubMed 40004525.

NM_000091.5(COL4A3):c.441G>T (p.Pro147=)

Genes: COL4A3 (collagen type IV alpha 3 chain; plus strand), MFF-DT (MFF divergent transcript; minus strand). Cytogenetic location: 2q36.3.
Variant type: single nucleotide variant.
Coding change: c.441G>T on transcript NM_000091.5 (MANE Select); coding-DNA position 441, G replaced by T.
Protein change: p.Pro147=; no amino-acid change (proline 147 retained).
Molecular consequence: synonymous variant.
Genome position (GRCh38, 1-based): chr2:227,246,738, G>T. VCF-style: chr2-227246738-G-T. GRCh37 (hg19) VCF-style: chr2-228111454-G-T.
Identifiers: ClinVar variation 5003516 (VCV005003516.1).